The following is an entry in ClinVar:

ClinVar aggregate classification (germline): Pathogenic. Review status: criteria provided, multiple submitters, no conflicts (2 of 4 stars). 2 submissions from 2 submitters: Pathogenic (2). Last evaluated 2025-06-01.

Conditions:
Ataxia-telangiectasia syndrome (AT). Also called: Ataxia-telangiectasia, complementation group D; AT, COMPLEMENTATION GROUP C; ATAXIA-TELANGIECTASIA, COMPLEMENTATION GROUP A; ATAXIA-TELANGIECTASIA, FRESNO VARIANT; Ataxia-telangiectasia; LOUIS-BAR SYNDROME. Identifiers: Orphanet 100, MedGen C0004135, MONDO:0008840, OMIM 208900.
Hereditary cancer-predisposing syndrome. Also called: Neoplastic Syndromes, Hereditary; Tumor predisposition; Hereditary neoplastic syndrome; Hereditary Cancer Syndrome. Identifiers: Orphanet 140162, MedGen C0027672, MeSH D009386, MONDO:0015356.

Submissions (2):

Labcorp Genetics (formerly Invitae), Labcorp
Classification: Pathogenic for Ataxia-telangiectasia syndrome. Last evaluated: 2025-06-01. Review status: criteria provided, single submitter. Criteria: Invitae Variant Classification Sherloc (09022015). Collection method: clinical testing. Allele origin: germline.
Comment: This sequence change creates a premature translational stop signal (p.Thr791Profs*17) in the ATM gene. It is expected to result in an absent or disrupted protein product. Loss-of-function variants in ATM are known to be pathogenic (PMID: 23807571, 25614872). This variant is not present in population databases (gnomAD no frequency). This variant has not been reported in the literature in individuals affected with ATM-related conditions. ClinVar contains an entry for this variant (Variation ID: 1790306). For these reasons, this variant has been classified as Pathogenic.

Ambry Genetics
Classification: Pathogenic for Hereditary cancer-predisposing syndrome. Last evaluated: 2022-07-08. Review status: criteria provided, single submitter. Criteria: Ambry Variant Classification Scheme 2023. Collection method: clinical testing. Allele origin: germline.
Comment: The c.2371delA pathogenic mutation, located in coding exon 14 of the ATM gene, results from a deletion of one nucleotide at nucleotide position 2371, causing a translational frameshift with a predicted alternate stop codon (p.T791Pfs*17). This variant is considered to be rare based on population cohorts in the Genome Aggregation Database (gnomAD). This alteration is expected to result in loss of function by premature protein truncation or nonsense-mediated mRNA decay. As such, this alteration is interpreted as a disease-causing mutation.

Literature cited by the submitters: PubMed 23807571 (cited by Labcorp Genetics (formerly Invitae), Labcorp); PubMed 25614872 (cited by Labcorp Genetics (formerly Invitae), Labcorp).

NM_000051.4(ATM):c.2371del (p.Thr791fs)

Gene: ATM (ATM serine/threonine kinase; plus strand). Cytogenetic location: 11q22.3.
Variant type: Deletion.
Coding change: c.2371del on transcript NM_000051.4 (MANE Select); coding-DNA position 2371, one base deleted (A; older notation c.2371delA).
Protein change: p.Thr791fs; shifts the reading frame from threonine 791.
Molecular consequence: frameshift variant.
Genome position (GRCh38, 1-based): chr11:108,257,601, A deleted. VCF-style (leftmost placement, unchanged base first): chr11-108257600-TA-T. GRCh37 (hg19) VCF-style: chr11-108128327-TA-T.
Other names: c.2371del, p.Thr791fs (NM_001351834.2); short protein forms T791fs.
Identifiers: ClinVar variation 1790306 (VCV001790306.4), dbSNP rs2497389201, ClinGen allele CA2580083349.